The following is an entry in ClinVar:

NM_001105206.3(LAMA4):c.3981A>G (p.Ile1327Met)

Gene: LAMA4 (laminin subunit alpha 4; minus strand). Cytogenetic location: 6q21.
Variant type: single nucleotide variant.
Coding change: c.3981A>G on transcript NM_001105206.3 (MANE Select); coding-DNA position 3981, A replaced by G.
Protein change: p.Ile1327Met; replaces isoleucine 1327 with methionine.
Molecular consequence: missense variant.
Genome position (GRCh38, 1-based): chr6:112,130,028, T>C on the plus strand (A>G on the coding strand, the complement: LAMA4 is on the minus strand). VCF-style: chr6-112130028-T-C. GRCh37 (hg19) VCF-style: chr6-112451230-T-C.
Other names: c.3960A>G, p.Ile1320Met (NM_001105207.3, NM_002290.5); short protein forms I1327M, I1320M.
Identifiers: ClinVar variation 4825732 (VCV004825732.1).

ClinVar aggregate classification (germline): Uncertain significance (1 of 4 stars; one submission).

Conditions:
Cardiovascular phenotype. Identifiers: MedGen CN230736.

gnomAD v4.1: 3 of 1,612,832 alleles (0.00019%); highest among the groups gnomAD compares: East Asian, 0.0022%; no homozygotes.

Submission:

Ambry Genetics
Classification: Uncertain significance for Cardiovascular phenotype. Last evaluated: 2026-03-11. Review status: criteria provided, single submitter. Criteria: Ambry Variant Classification Scheme 2023. Collection method: clinical testing. Allele origin: germline.
Comment: The p.I1320M variant (also known as c.3960A>G), located in coding exon 29 of the LAMA4 gene, results from an A to G substitution at nucleotide position 3960. The isoleucine at codon 1320 is replaced by methionine, an amino acid with highly similar properties. This amino acid position is conserved. In addition, this alteration is predicted to be tolerated by in silico analysis. Based on the available evidence, the clinical significance of this variant remains unclear.